The following is an entry in ClinVar:

ClinVar aggregate classification (germline): Pathogenic. Review status: criteria provided, multiple submitters, no conflicts (2 of 4 stars). 2 submissions from 2 submitters: Pathogenic (2). Last evaluated 2026-04-14.

Conditions:
Benign recurrent intrahepatic cholestasis type 2 (BRIC2). Also called: Recurrent familial intrahepatic cholestasis 2. Identifiers: Orphanet 65682, Orphanet 99961, MedGen C2608083, MONDO:0011559, OMIM 605479.
Familial intrahepatic cholestasis. Identifiers: Orphanet 284385, MedGen CN296401, MONDO:0017290.

Submissions (2):

Genomenon, Inc
Classification: Pathogenic for Familial intrahepatic cholestasis. Last evaluated: 2026-04-14. Review status: criteria provided, single submitter. Criteria: Genomenon Sequence Variant Interpretation Standards - Updated. Collection method: curation. Allele origin: germline. Affected: yes.
Comment: ABCB11 p.Trp189Ter (c.567G>A) is a nonsense variant that introduces a premature stop codon at amino acid position 189, creating a truncated protein that is predicted to undergo nonsense-mediated mRNA decay. This variant has been observed in at least one proband with an ABCB11-related disorder (PMID:32087350). It is absent or not present at a significant frequency in gnomAD. In conclusion, we classify ABCB11 p.Trp189Ter (c.567G>A) as a pathogenic variant.

Baylor Genetics
Classification: Pathogenic for Benign recurrent intrahepatic cholestasis type 2. Last evaluated: 2023-07-29. Review status: criteria provided, single submitter. Criteria: ACMG Guidelines, 2015. Collection method: clinical testing. Allele origin: unknown.

Literature cited by the submitters: PubMed 32087350 (cited by Genomenon, Inc).

NM_003742.4(ABCB11):c.567G>A (p.Trp189Ter)

Gene: ABCB11 (ATP binding cassette subfamily B member 11; minus strand). Cytogenetic location: 2q31.1.
Variant type: single nucleotide variant.
Coding change: c.567G>A on transcript NM_003742.4 (MANE Select); coding-DNA position 567, G replaced by A.
Protein change: p.Trp189Ter; replaces tryptophan 189 with a stop codon.
Molecular consequence: nonsense.
Genome position (GRCh38, 1-based): chr2:168,995,393, C>T on the plus strand (G>A on the coding strand, the complement: ABCB11 is on the minus strand). VCF-style: chr2-168995393-C-T. GRCh37 (hg19) VCF-style: chr2-169851903-C-T.
Other names: short protein forms W189*.
Identifiers: ClinVar variation 2680196 (VCV002680196.2), dbSNP rs2545453686, ClinGen allele CA349131319.